The following is an entry in ClinVar:

ClinVar aggregate classification (germline): Uncertain significance (1 of 4 stars; one submission).

Conditions:
Hereditary cancer-predisposing syndrome. Also called: Hereditary Cancer Syndrome; Hereditary neoplastic syndrome; Neoplastic Syndromes, Hereditary; Tumor predisposition. Identifiers: Orphanet 140162, MedGen C0027672, MeSH D009386, MONDO:0015356.

Submission:

Ambry Genetics
Classification: Uncertain significance for Hereditary cancer-predisposing syndrome. Last evaluated: 2025-05-11. Review status: criteria provided, single submitter. Criteria: Ambry Variant Classification Scheme 2023. Collection method: clinical testing. Allele origin: germline.
Comment: The p.Q115H variant (also known as c.345A>C), located in coding exon 3 of the NF2 gene, results from an A to C substitution at nucleotide position 345. The glutamine at codon 115 is replaced by histidine, an amino acid with highly similar properties. This amino acid position is conserved. In addition, the in silico prediction for this alteration is inconclusive. Based on the available evidence, the clinical significance of this variant remains unclear.

NM_000268.4(NF2):c.345A>C (p.Gln115His)

Gene: NF2 (NF2, moesin-ezrin-radixin like (MERLIN) tumor suppressor; plus strand). Cytogenetic location: 22q12.2.
Variant type: single nucleotide variant.
Coding change: c.345A>C on transcript NM_000268.4 (MANE Select); coding-DNA position 345, A replaced by C.
Protein change: p.Gln115His; replaces glutamine 115 with histidine.
Molecular consequence: missense variant. On other transcripts: 5 prime UTR variant (1), intron variant (8).
Genome position (GRCh38, 1-based): chr22:29,639,194, A>C. VCF-style: chr22-29639194-A-C. GRCh37 (hg19) VCF-style: chr22-30035183-A-C.
Other names: c.231A>C, p.Gln77His (NM_001407053.1, NM_001407056.1); c.219A>C, p.Gln73His (NM_001407055.1, NM_181828.3); c.345A>C, p.Gln115His (NM_001407057.1, NM_001407059.1, NM_001407060.1 and 5 more transcripts); c.-296A>C (NM_001407065.1); c.114A>C, p.Gln38His (NM_001407067.1); c.240+2318A>C (NM_001407058.1, NM_181829.3, NM_001407054.1 and 1 more transcripts); c.115-3008A>C (NM_001407063.1, NM_181830.3, NM_001407064.1 and 1 more transcripts); short protein forms Q77H, Q115H, Q38H, Q73H.
Identifiers: ClinVar variation 3919152 (VCV003919152.1).